The following is an entry in ClinVar:

NM_001270974.2(HYDIN):c.11894G>A (p.Arg3965His)

Gene: HYDIN (HYDIN axonemal central pair apparatus protein; minus strand). Cytogenetic location: 16q22.2.
Variant type: single nucleotide variant.
Coding change: c.11894G>A on transcript NM_001270974.2 (MANE Select); coding-DNA position 11894, G replaced by A.
Protein change: p.Arg3965His; replaces arginine 3965 with histidine.
Molecular consequence: missense variant.
Genome position (GRCh38, 1-based): chr16:70,860,785, C>T on the plus strand (G>A on the coding strand, the complement: HYDIN is on the minus strand). VCF-style: chr16-70860785-C-T. GRCh37 (hg19) VCF-style: chr16-70894688-C-T.
Other names: short protein forms R3965H.
Identifiers: ClinVar variation 2363898 (VCV002363898.3), dbSNP rs757383345, ClinGen allele CA283511673.

ClinVar aggregate classification (germline): Uncertain significance. Review status: criteria provided, multiple submitters, no conflicts (2 of 4 stars). 2 submissions from 2 submitters: Uncertain significance (2). Last evaluated 2026-07-01.

Conditions:
Inborn genetic diseases. Identifiers: MedGen C0950123, MeSH D030342.

Submissions (2):

CeGaT Center for Human Genetics Tuebingen
Classification: Uncertain significance. Last evaluated: 2026-07-01. Review status: criteria provided, single submitter. Criteria: CeGaT Center For Human Genetics Tuebingen Variant Classification Criteria Version 2. Collection method: clinical testing. Allele origin: germline. Affected: yes. Observed: 1 variant allele.
Comment: HYDIN: PM2, BP4

Ambry Genetics
Classification: Uncertain significance for Inborn genetic diseases. Last evaluated: 2021-06-11. Review status: criteria provided, single submitter. Criteria: Ambry Variant Classification Scheme 2023. Collection method: clinical testing. Allele origin: germline.